The following is an entry in ClinVar:

NM_000306.4(POU1F1):c.40C>G (p.Pro14Ala)

Gene: POU1F1 (POU class 1 homeobox 1; minus strand). Cytogenetic location: 3p11.2.
Variant type: single nucleotide variant.
Coding change: c.40C>G on transcript NM_000306.4 (MANE Select); coding-DNA position 40, C replaced by G.
Protein change: p.Pro14Ala; replaces proline 14 with alanine.
Molecular consequence: missense variant.
Genome position (GRCh38, 1-based): chr3:87,276,423, G>C on the plus strand (C>G on the coding strand, the complement: POU1F1 is on the minus strand). VCF-style: chr3-87276423-G-C. GRCh37 (hg19) VCF-style: chr3-87325573-G-C.
Other names: c.40C>G, p.Pro14Ala (NM_001122757.3); short protein forms P14A.
Identifiers: ClinVar variation 585096 (VCV000585096.5), dbSNP rs200873915, ClinGen allele CA2501319.
Genomic context (GRCh38, chr3:87,276,423, plus strand): 5'-ACTCGGCAGCACTGTGATGCATTATCAGAGGCAGAGTTGCAGAGGCGTCAGAATTCAGAG[G>C]TATAAAGGTATCAGCCGAAGTAAAAGCTTGGCAACTCATTCCCACAAGAGAGTAGAAAAA-3'
Protein context (NP_000297.1, residues 4-24): QAFTSADTFI[Pro14Ala]LNSDASATLP

ClinVar aggregate classification (germline): Uncertain significance. Review status: criteria provided, multiple submitters, no conflicts (2 of 4 stars). 2 submissions from 2 submitters: Uncertain significance (2). Last evaluated 2023-12-27.

Conditions:
Inborn genetic diseases. Identifiers: MedGen C0950123, MeSH D030342.
Pituitary hormone deficiency, combined, 1 (CPHD1). Also called: Pituitary hormone deficiency, combined or isolated, 1. Identifiers: MedGen C2751608, MONDO:0024464, OMIM 613038.

Allele frequency attached by ClinVar (database versions not stated): gnomAD exomes 0.00009; ExAC 0.00011; gnomAD 0.00013; TOPMed 0.00013; ESP Exome Variant Server 0.00031.
gnomAD v4.1: 346 of 1,613,770 alleles (0.021%); highest among the groups gnomAD compares: Non-Finnish European, 0.028%; no homozygotes.

Submissions (2):

Ambry Genetics
Classification: Uncertain significance for Inborn genetic diseases. Last evaluated: 2023-12-27. Review status: criteria provided, single submitter. Criteria: Ambry Variant Classification Scheme 2023. Collection method: clinical testing. Allele origin: germline.

GeneDx
Classification: Uncertain significance. Last evaluated: 2019-04-05. Review status: criteria provided, single submitter. Criteria: GeneDx Variant Classification Process June 2021. Collection method: clinical testing. Allele origin: germline. Affected: yes.
Comment: In silico analysis, which includes protein predictors and evolutionary conservation, supports a deleterious effect; Has not been previously published as pathogenic or benign to our knowledge